The following is an entry in ClinVar:

ClinVar aggregate classification (germline): Uncertain significance (1 of 4 stars; one submission).

Conditions:
Autosomal recessive limb-girdle muscular dystrophy type 2W (MDRCMTT). Also called: Muscular dystrophy, limb-girdle, type 2W; Muscular dystrophy, autosomal recessive, with cardiomyopathy and triangular tongue. Identifiers: MedGen C4225192, MONDO:0014788, OMIM 616827.

Allele frequency attached by ClinVar (database versions not stated): ExAC 0.00002; gnomAD 0.00003; TOPMed 0.00005; 1000 Genomes Project 0.00020; 1000 Genomes Project 30x 0.00031.
gnomAD v4.1: 26 of 1,613,894 alleles (0.0016%); highest among the groups gnomAD compares: African/African-American, 0.0053%; no homozygotes.

Submission:

Labcorp Genetics (formerly Invitae), Labcorp
Classification: Uncertain significance for Autosomal recessive limb-girdle muscular dystrophy type 2W. Last evaluated: 2024-01-29. Review status: criteria provided, single submitter. Criteria: Invitae Variant Classification Sherloc (09022015). Collection method: clinical testing. Allele origin: germline.
Comment: This sequence change replaces arginine, which is basic and polar, with cysteine, which is neutral and slightly polar, at codon 351 of the LIMS2 protein (p.Arg351Cys). This variant is present in population databases (rs528266998, gnomAD 0.01%). This variant has not been reported in the literature in individuals affected with LIMS2-related conditions. An algorithm developed to predict the effect of missense changes on protein structure and function (PolyPhen-2) suggests that this variant is likely to be disruptive. In summary, the available evidence is currently insufficient to determine the role of this variant in disease. Therefore, it has been classified as a Variant of Uncertain Significance.

NM_001161403.3(LIMS2):c.985C>T (p.Arg329Cys)

Gene: LIMS2 (LIM zinc finger domain containing 2; minus strand). Cytogenetic location: 2q14.3.
Variant type: single nucleotide variant.
Coding change: c.985C>T on transcript NM_001161403.3 (MANE Select); coding-DNA position 985, C replaced by T.
Protein change: p.Arg329Cys; replaces arginine 329 with cysteine.
Molecular consequence: missense variant.
Genome position (GRCh38, 1-based): chr2:127,639,322, G>A on the plus strand (C>T on the coding strand, the complement: LIMS2 is on the minus strand). VCF-style: chr2-127639322-G-A. GRCh37 (hg19) VCF-style: chr2-128396897-G-A.
Other names: c.1051C>T, p.Arg351Cys (NM_001136037.4); c.970C>T, p.Arg324Cys (NM_001161404.2); c.529C>T, p.Arg177Cys (NM_001161405.1, NM_001256542.2); c.1057C>T, p.Arg353Cys (NM_017980.5); short protein forms R324C, R329C, R351C, R353C, R177C.
Identifiers: ClinVar variation 2890435 (VCV002890435.3), dbSNP rs528266998, ClinGen allele CA1862784.